The following is an entry in ClinVar:

ClinVar aggregate classification (germline): Likely benign (1 of 4 stars; one submission).

Conditions:
Congenital hereditary endothelial dystrophy of cornea. Also called: Corneal endothelial dystrophy, autosomal recessive; CORNEAL DYSTROPHY, CONGENITAL HEREDITARY ENDOTHELIAL; Congenital hereditary endothelial dystrophy type II; Congenital hereditary endothelial dystrophy of the cornea; Maumenee corneal dystrophy. Identifiers: Orphanet 293603, MedGen C1857569, MONDO:0009019, OMIM 217700.

Submission:

Centre for Medical Genetics,  Mumbai
Classification: Likely benign for Congenital hereditary endothelial dystrophy of cornea. Last evaluated: 2026-02-16. Review status: criteria provided, single submitter. Criteria: ACMG Guidelines, 2015. Collection method: provider interpretation. Allele origin: germline. Inheritance: Autosomal recessive inheritance. Affected: no. Observed: 1 homozygote.
Comment: The variant satisfies PM2 criteria; Extremely low frequency in gnomAD population databases. However, the variant satisfies BS2 criteria; present in homozygous state in an individual that clinically does not have Corneal endothelial dystrophy.

Literature cited by the submitters: PubMed 16767101.

NM_001174089.2(SLC4A11):c.128G>A (p.Arg43Gln)

Gene: SLC4A11 (solute carrier family 4 member 11; minus strand). Cytogenetic location: 20p13.
Variant type: single nucleotide variant.
Coding change: c.128G>A on transcript NM_001174089.2 (MANE Select); coding-DNA position 128, G replaced by A.
Protein change: p.Arg43Gln; replaces arginine 43 with glutamine.
Molecular consequence: missense variant. On other transcripts: non-coding transcript variant (3).
Genome position (GRCh38, 1-based): chr20:3,234,855, C>T on the plus strand (G>A on the coding strand, the complement: SLC4A11 is on the minus strand). VCF-style: chr20-3234855-C-T. GRCh37 (hg19) VCF-style: chr20-3215501-C-T.
Other names: c.128G>A, p.Arg43Gln (NM_001363745.2); c.71G>A, p.Arg24Gln (NM_001400277.1, NM_001400278.1, NM_001400279.1); c.257G>A, p.Arg86Gln (NM_001400280.1, NM_001174090.2); c.176G>A, p.Arg59Gln (NM_032034.4); short protein forms R24Q, R86Q, R43Q, R59Q.
Identifiers: ClinVar variation 4795844 (VCV004795844.1).